The following is an entry in ClinVar:

ClinVar aggregate classification (germline): Uncertain significance. Review status: criteria provided, multiple submitters, no conflicts (2 of 4 stars). 2 submissions from 2 submitters: Uncertain significance (2). Last evaluated 2025-06-23.

Conditions:
Arrhythmogenic right ventricular cardiomyopathy (ARVD). Also called: Arrhythmogenic right ventricular dysplasia; Cardiomyopathy, ARVC; Arrhythmogenic cardiomyopathy; Arrhythmogenic Right Ventricular Cardiomyopathy (ARVC). Identifiers: Orphanet 247, MedGen C0349788, MeSH D019571, MONDO:0016587. Disease mechanism: loss of function. Inheritance: Various modes of inheritance.
Cardiomyopathy (CMYO). Also called: Cardiomyopathies. Identifiers: Orphanet 167848, MedGen C0878544, MONDO:0004994, HP:0001638. Inheritance: Various modes of inheritance.

Allele frequency attached by ClinVar (database versions not stated): gnomAD exomes below 0.00001.
gnomAD v4.1: 3 of 1,614,114 alleles (0.00019%); highest among the groups gnomAD compares: Non-Finnish European, 0.00025%; no homozygotes.

Submissions (2):

Color Diagnostics, LLC DBA Color Health
Classification: Uncertain significance for Cardiomyopathy. Last evaluated: 2025-06-23. Review status: criteria provided, single submitter. Criteria: ACMG Guidelines, 2015. Collection method: clinical testing. Allele origin: germline.
Comment: This missense variant replaces threonine with alanine at codon 710 of the PKP2 protein. Computational prediction suggests that this variant may not impact protein structure and function. To our knowledge, functional studies have not been reported for this variant. This variant has not been reported in individuals affected with PKP2-related disorders in the literature. This variant has not been identified in the general population by the Genome Aggregation Database (gnomAD). The available evidence is insufficient to determine the role of this variant in disease conclusively. Therefore, this variant is classified as a Variant of Uncertain Significance.

All of Us Research Program, National Institutes of Health
Classification: Uncertain significance for Arrhythmogenic right ventricular cardiomyopathy. Last evaluated: 2023-04-27. Review status: criteria provided, single submitter. Criteria: ACMG Guidelines, 2015. Collection method: clinical testing. Allele origin: germline. Inheritance: Autosomal dominant inheritance. Observed: 1 variant allele, 1 heterozygote.
Comment: This study involves interpretation of variants in research participants for the purpose of population health screening. Participant phenotype was not available at the time of variant classification. Additional details can be found in publication PMID: 35346344, PMCID: PMC8962531

NM_001005242.3(PKP2):c.1996A>G (p.Thr666Ala)

Gene: PKP2 (plakophilin 2; minus strand). Cytogenetic location: 12p11.21.
Variant type: single nucleotide variant.
Coding change: c.1996A>G on transcript NM_001005242.3 (MANE Select); coding-DNA position 1996, A replaced by G.
Protein change: p.Thr666Ala; replaces threonine 666 with alanine.
Molecular consequence: missense variant.
Genome position (GRCh38, 1-based): chr12:32,821,373, T>C on the plus strand (A>G on the coding strand, the complement: PKP2 is on the minus strand). VCF-style: chr12-32821373-T-C. GRCh37 (hg19) VCF-style: chr12-32974307-T-C.
Other names: c.1996A>G, p.Thr666Ala (NM_001407155.1, NM_001407161.1); c.1831A>G, p.Thr611Ala (NM_001407156.1); c.2128A>G, p.Thr710Ala (NM_001407157.1, NM_004572.4); c.1669A>G, p.Thr557Ala (NM_001407158.1, NM_001407159.1, NM_001407160.1 and 1 more transcripts); short protein forms T557A, T611A, T666A, T710A.
Identifiers: ClinVar variation 3070479 (VCV003070479.2), dbSNP rs2541229259, ClinGen allele CA384361583.